The following is an entry in ClinVar:

ClinVar aggregate classification (germline): Uncertain significance (1 of 4 stars; one submission).

gnomAD v4.1: 4 of 1,613,966 alleles (0.00025%); highest among the groups gnomAD compares: Non-Finnish European, 0.00025%; no homozygotes.

Submission:

GeneDx
Classification: Uncertain significance. Last evaluated: 2025-06-25. Review status: criteria provided, single submitter. Criteria: GeneDx Variant Classification Process June 2021. Collection method: clinical testing. Allele origin: germline. Affected: yes.
Comment: Not observed at significant frequency in large population cohorts (gnomAD); In silico analysis suggests that this missense variant does not alter protein structure/function; Has not been previously published as pathogenic or benign to our knowledge

NM_012208.4(HARS2):c.131C>T (p.Ser44Phe)

Gene: HARS2 (histidyl-tRNA synthetase 2, mitochondrial; plus strand). Cytogenetic location: 5q31.3.
Variant type: single nucleotide variant.
Coding change: c.131C>T on transcript NM_012208.4 (MANE Select); coding-DNA position 131, C replaced by T.
Protein change: p.Ser44Phe; replaces serine 44 with phenylalanine.
Molecular consequence: missense variant. On other transcripts: 5 prime UTR variant (2), intron variant (1).
Genome position (GRCh38, 1-based): chr5:140,693,613, C>T. VCF-style: chr5-140693613-C-T. GRCh37 (hg19) VCF-style: chr5-140073198-C-T.
Other names: c.-80C>T (NM_001278732.2, NM_001363536.2); c.149C>T, p.Ser50Phe (NM_001363535.2); c.109-322C>T (NM_001278731.2); short protein forms S44F, S50F.
Identifiers: ClinVar variation 4540236 (VCV004540236.1).
Genomic context (GRCh38, chr5:140,693,613, plus strand): 5'-TCCAGAGAAGCCACATCTCACATTCATTCTTCTGCCAGGTTGCAGAGGCAGTGTTAACAT[C>T]CCAACTGAAAGCACATCAAGAGAAACCAAATTTTATTATCAAGACCCCAAAGGTAATACT-3'
Protein context (NP_036340.1, residues 34-54): QSQVAEAVLT[Ser44Phe]QLKAHQEKPN